The following is an entry in ClinVar:

NM_001277115.2(DNAH11):c.4491G>A (p.Glu1497=)

Gene: DNAH11 (dynein axonemal heavy chain 11; plus strand). Cytogenetic location: 7p15.3.
Variant type: single nucleotide variant.
Coding change: c.4491G>A on transcript NM_001277115.2 (MANE Select); coding-DNA position 4491, G replaced by A.
Protein change: p.Glu1497=; no amino-acid change (glutamic acid 1497 retained).
Molecular consequence: synonymous variant.
Genome position (GRCh38, 1-based): chr7:21,620,069, G>A. VCF-style: chr7-21620069-G-A. GRCh37 (hg19) VCF-style: chr7-21659687-G-A.
Identifiers: ClinVar variation 257897 (VCV000257897.45), dbSNP rs564202359, ClinGen allele CA4180060.

ClinVar aggregate classification (germline): Conflicting classifications of pathogenicity. Review status: criteria provided, conflicting classifications (1 of 4 stars). 6 submissions from 6 submitters: Uncertain significance (1); Benign (3); Likely benign (2). Last evaluated 2025-11-25.

Conditions:
Primary ciliary dyskinesia. Also called: Ciliary dyskinesia. Identifiers: Orphanet 244, MedGen C0008780, MONDO:0016575, HP:0012265.
Primary ciliary dyskinesia 7. Also called: CILIARY DYSKINESIA, PRIMARY, 7, WITH OR WITHOUT SITUS INVERSUS. Identifiers: Orphanet 244, MedGen C2678473, MONDO:0012748, OMIM 611884.

Allele frequency attached by ClinVar (database versions not stated): TOPMed 0.00002; gnomAD 0.00024 and 0.00001; gnomAD exomes 0.00104; ExAC 0.00137; 1000 Genomes Project 0.00200; 1000 Genomes Project 30x 0.00219.

Submissions (6):

Labcorp Genetics (formerly Invitae), Labcorp
Classification: Benign for Primary ciliary dyskinesia. Last evaluated: 2025-11-25. Review status: criteria provided, single submitter. Criteria: Invitae Variant Classification Sherloc (09022015). Collection method: clinical testing. Allele origin: germline.

CeGaT Center for Human Genetics Tuebingen
Classification: Likely benign. Last evaluated: 2023-07-01. Review status: criteria provided, single submitter. Criteria: CeGaT Center For Human Genetics Tuebingen Variant Classification Criteria Version 2. Collection method: clinical testing. Allele origin: germline. Affected: yes. Observed: 2 variant alleles.
Comment: DNAH11: BP4, BP7, BS2

Ambry Genetics
Classification: Benign for Primary ciliary dyskinesia. Last evaluated: 2022-05-28. Review status: criteria provided, single submitter. Criteria: Ambry Variant Classification Scheme 2023. Collection method: clinical testing. Allele origin: germline.

Dubai Health Genomic Medicine Center, Dubai Health
Classification: Benign for Primary ciliary dyskinesia 7. Last evaluated: 2020-11-23. Review status: criteria provided, single submitter. Criteria: ACMG Guidelines, 2015. Collection method: clinical testing. Allele origin: germline. Affected: yes.

Illumina Laboratory Services, Illumina
Classification: Uncertain significance for Primary ciliary dyskinesia 7. Last evaluated: 2018-01-13. Review status: criteria provided, single submitter. Criteria: ICSL Variant Classification Criteria 13 December 2019. Collection method: clinical testing. Allele origin: germline.

PreventionGenetics, part of Exact Sciences
Classification: Likely benign. Review status: criteria provided, single submitter. Criteria: ACMG Guidelines, 2015. Collection method: clinical testing. Allele origin: germline.